The following is an entry in ClinVar:

ClinVar aggregate classification (germline): Uncertain significance. Review status: criteria provided, multiple submitters, no conflicts (2 of 4 stars). 2 submissions from 2 submitters: Uncertain significance (2). Last evaluated 2021-08-28.

Conditions:
Primary ciliary dyskinesia. Also called: Ciliary dyskinesia. Identifiers: Orphanet 244, MedGen C0008780, MONDO:0016575, HP:0012265.

Allele frequency attached by ClinVar (database versions not stated): gnomAD exomes 0.00001 and 0.00005; ExAC 0.00006; 1000 Genomes Project 30x 0.00016; ESP Exome Variant Server 0.00016; 1000 Genomes Project 0.00020; gnomAD 0.00026 and 0.00030; TOPMed 0.00026.
gnomAD v4.1: 57 of 1,611,408 alleles (0.0035%); highest among the groups gnomAD compares: African/African-American, 0.067%; no homozygotes.

Submissions (2):

Labcorp Genetics (formerly Invitae), Labcorp
Classification: Uncertain significance for Primary ciliary dyskinesia. Last evaluated: 2021-08-28. Review status: criteria provided, single submitter. Criteria: Invitae Variant Classification Sherloc (09022015). Collection method: clinical testing. Allele origin: germline.
Comment: This sequence change replaces cysteine with tyrosine at codon 482 of the CCDC40 protein (p.Cys482Tyr). The cysteine residue is moderately conserved and there is a large physicochemical difference between cysteine and tyrosine. This variant is present in population databases (rs367601192, ExAC 0.07%). This variant has not been reported in the literature in individuals affected with CCDC40-related conditions. Algorithms developed to predict the effect of missense changes on protein structure and function (SIFT, PolyPhen-2, Align-GVGD) all suggest that this variant is likely to be tolerated. In summary, the available evidence is currently insufficient to determine the role of this variant in disease. Therefore, it has been classified as a Variant of Uncertain Significance.

Breakthrough Genomics
Classification: Uncertain significance. Review status: criteria provided, single submitter. Criteria: ACMG Guidelines, 2015. Collection method: not provided. Allele origin: germline. Inheritance: Autosomal recessive inheritance. Affected: yes.

NM_017950.4(CCDC40):c.1445G>A (p.Cys482Tyr)

Gene: CCDC40 (coiled-coil domain 40 molecular ruler complex subunit; plus strand). Cytogenetic location: 17q25.3.
Variant type: single nucleotide variant.
Coding change: c.1445G>A on transcript NM_017950.4 (MANE Select); coding-DNA position 1445, G replaced by A.
Protein change: p.Cys482Tyr; replaces cysteine 482 with tyrosine.
Molecular consequence: missense variant.
Genome position (GRCh38, 1-based): chr17:80,065,489, G>A. VCF-style: chr17-80065489-G-A. GRCh37 (hg19) VCF-style: chr17-78039288-G-A.
Other names: c.1445G>A, p.Cys482Tyr (NM_001243342.2, NM_001330508.2); short protein forms C482Y.
Identifiers: ClinVar variation 525408 (VCV000525408.7), dbSNP rs367601192, ClinGen allele CA8813844.